The following is an entry in ClinVar:

ClinVar aggregate classification (germline): Uncertain significance (1 of 4 stars; one submission).

Conditions:
Melanoma, cutaneous malignant, susceptibility to, 5. Also called: Cutaneous malignant melanoma 5. Identifiers: Orphanet 618, MedGen C2751295, MONDO:0013133, OMIM 613099.

Submission:

Labcorp Genetics (formerly Invitae), Labcorp
Classification: Uncertain significance for Melanoma, cutaneous malignant, susceptibility to, 5. Last evaluated: 2024-05-13. Review status: criteria provided, single submitter. Criteria: Invitae Variant Classification Sherloc (09022015). Collection method: clinical testing. Allele origin: germline.
Comment: This sequence change replaces methionine, which is neutral and non-polar, with isoleucine, which is neutral and non-polar, at codon 128 of the MC1R protein (p.Met128Ile). This variant is present in population databases (no rsID available, gnomAD 0.007%). This variant has not been reported in the literature in individuals affected with MC1R-related conditions. Advanced modeling of protein sequence and biophysical properties (such as structural, functional, and spatial information, amino acid conservation, physicochemical variation, residue mobility, and thermodynamic stability) performed at Invitae indicates that this missense variant is not expected to disrupt MC1R protein function with a negative predictive value of 80%. In summary, the available evidence is currently insufficient to determine the role of this variant in disease. Therefore, it has been classified as a Variant of Uncertain Significance.

NM_002386.4(MC1R):c.384G>C (p.Met128Ile)

Gene: MC1R (melanocortin 1 receptor; plus strand). Cytogenetic location: 16q24.3.
Variant type: single nucleotide variant.
Coding change: c.384G>C on transcript NM_002386.4 (MANE Select); coding-DNA position 384, G replaced by C.
Protein change: p.Met128Ile; replaces methionine 128 with isoleucine.
Molecular consequence: missense variant.
Genome position (GRCh38, 1-based): chr16:89,919,642, G>C. VCF-style: chr16-89919642-G-C. GRCh37 (hg19) VCF-style: chr16-89986050-G-C.
Other names: short protein forms M128I.
Identifiers: ClinVar variation 3643653 (VCV003643653.2).